The following is an entry in ClinVar:

ClinVar aggregate classification (germline): Pathogenic (1 of 4 stars; one submission).

Conditions:
Lynch syndrome 5 (LYNCH5). Also called: Colorectal cancer, hereditary nonpolyposis, type 5; Hereditary non-polyposis colorectal cancer, type 5. Identifiers: Orphanet 144, MedGen C1833477, MONDO:0013710, OMIM 614350. Disease mechanism: loss of function.

Submission:

Myriad Genetics, Inc.
Classification: Pathogenic for Lynch syndrome 5. Last evaluated: 2023-08-10. Review status: criteria provided, single submitter. Criteria: Myriad Autosomal Dominant, Autosomal Recessive and X-Linked Classification Criteria (2023). Collection method: clinical testing. Allele origin: unknown.
Comment: This variant is considered pathogenic. This variant creates a termination codon and is predicted to result in premature protein truncation.

NM_000179.3(MSH6):c.699_702dup (p.Thr235Ter)

Gene: MSH6 (mutS homolog 6; plus strand). Cytogenetic location: 2p16.3.
Variant type: Duplication.
Coding change: c.699_702dup on transcript NM_000179.3 (MANE Select); coding-DNA positions 699 to 702, 4 bases duplicated (TAAG; older notation c.699_702dupTAAG).
Protein change: p.Thr235Ter; replaces threonine 235 with a stop codon.
Molecular consequence: nonsense. On other transcripts: 5 prime UTR variant (9), non-coding transcript variant (4), intron variant (1).
Genome position (GRCh38, 1-based): chr2:47,798,682-47,798,685, TAAG duplicated. VCF-style (leftmost placement, unchanged base first): chr2-47798681-C-CTAAG. GRCh37 (hg19) VCF-style: chr2-48025820-C-CTAAG.
Other names: c.309_312dup, p.Thr105Ter (NM_001281492.2); c.-208_-205dup (NM_001281493.2, NM_001281494.2, NM_001406811.1 and 6 more transcripts); c.795_798dup, p.Thr267Ter (NM_001406795.1, NM_001406802.1); c.699_702dup, p.Thr235Ter (NM_001406796.1, NM_001406798.1, NM_001406800.1 and 4 more transcripts); c.402_405dup, p.Thr136Ter (NM_001406797.1, NM_001406801.1, NM_001406805.1 and 10 more transcripts); c.174_177dup, p.Thr60Ter (NM_001406799.1, NM_001406806.1, NM_001406807.1); c.621_624dup, p.Thr209Ter (NM_001406804.1); c.705_708dup, p.Thr237Ter (NM_001406813.1); and 2 more; short protein forms T105*, T136*, T179*, T209*, T235*, T237*, T267*, T60*.
Identifiers: ClinVar variation 2673754 (VCV002673754.1), dbSNP rs2530566457, ClinGen allele CA2695200239.